The following is an entry in ClinVar:

NM_001382.4(DPAGT1):c.1204G>A (p.Val402Ile)

Gene: DPAGT1 (dolichyl-phosphate N-acetylglucosaminephosphotransferase 1; minus strand). Cytogenetic location: 11q23.3.
Variant type: single nucleotide variant.
Coding change: c.1204G>A on transcript NM_001382.4 (MANE Select); coding-DNA position 1204, G replaced by A.
Protein change: p.Val402Ile; replaces valine 402 with isoleucine.
Molecular consequence: missense variant.
Genome position (GRCh38, 1-based): chr11:119,097,021, C>T on the plus strand (G>A on the coding strand, the complement: DPAGT1 is on the minus strand). VCF-style: chr11-119097021-C-T. GRCh37 (hg19) VCF-style: chr11-118967731-C-T.
Other names: short protein forms V402I.
Identifiers: ClinVar variation 663782 (VCV000663782.8), dbSNP rs779911586, ClinGen allele CA6314419.

ClinVar aggregate classification (germline): Uncertain significance. Review status: criteria provided, multiple submitters, no conflicts (2 of 4 stars). 2 submissions from 2 submitters: Uncertain significance (2). Last evaluated 2021-09-01.

Conditions:
DPAGT1-congenital disorder of glycosylation. Also called: CDG Ij; DPAGT1-CDG; CONGENITAL DISORDER OF GLYCOSYLATION, TYPE Ij. Identifiers: Orphanet 86309, MedGen C2931004, MONDO:0011964, OMIM 608093.
Congenital myasthenic syndrome 13 (CMS13). Also called: Myasthenic syndrome, congenital, with tubular aggregates 2; Myasthenic syndrome, congenital, 13, with tubular aggregates. Identifiers: Orphanet 353327, Orphanet 590, MedGen C3553645, MONDO:0013883, OMIM 614750.

Allele frequency attached by ClinVar (database versions not stated): ExAC 0.00001; gnomAD 0.00001; gnomAD exomes 0.00001 and 0.00002; TOPMed 0.00002.
gnomAD v4.1: 16 of 1,613,968 alleles (0.00099%); highest among the groups gnomAD compares: Admixed American, 0.0017%; no homozygotes.

Submissions (2):

Labcorp Genetics (formerly Invitae), Labcorp
Classification: Uncertain significance for Congenital myasthenic syndrome 13; DPAGT1-congenital disorder of glycosylation. Last evaluated: 2021-09-01. Review status: criteria provided, single submitter. Criteria: Invitae Variant Classification Sherloc (09022015). Collection method: clinical testing. Allele origin: germline.
Comment: This sequence change replaces valine with isoleucine at codon 402 of the DPAGT1 protein (p.Val402Ile). The valine residue is moderately conserved and there is a small physicochemical difference between valine and isoleucine. The frequency data for this variant in the population databases is considered unreliable, as metrics indicate poor data quality at this position in the ExAC database. This variant has not been reported in the literature in individuals affected with DPAGT1-related conditions. Algorithms developed to predict the effect of missense changes on protein structure and function (SIFT, PolyPhen-2, Align-GVGD) all suggest that this variant is likely to be tolerated. In summary, the available evidence is currently insufficient to determine the role of this variant in disease. Therefore, it has been classified as a Variant of Uncertain Significance.

Baylor Genetics
Classification: Uncertain significance for DPAGT1-congenital disorder of glycosylation. Last evaluated: 2018-10-28. Review status: criteria provided, single submitter. Criteria: ACMG Guidelines, 2015. Collection method: clinical testing. Allele origin: maternal. Affected: yes.
Comment: This variant was determined to be of uncertain significance according to ACMG Guidelines, 2015 [PMID:25741868].